The following is an entry in ClinVar:

ClinVar aggregate classification (germline): Uncertain significance (1 of 4 stars; one submission).

Conditions:
Inborn genetic diseases. Identifiers: MedGen C0950123, MeSH D030342.

gnomAD v4.1: 3 of 1,532,936 alleles (0.0002%); highest among the groups gnomAD compares: Non-Finnish European, 0.00026%; no homozygotes.

Submission:

Ambry Genetics
Classification: Uncertain significance for Inborn genetic diseases. Last evaluated: 2026-09-01. Review status: criteria provided, single submitter. Criteria: Ambry Variant Classification Scheme 2023. Collection method: clinical testing. Allele origin: germline.
Comment: The c.2561T>G (p.F854C) alteration is located in exon 17 (coding exon 17) of the SLC12A2 gene. This alteration results from a T to G substitution at nucleotide position 2561, causing the phenylalanine (F) at amino acid position 854 to be replaced by a cysteine (C). Based on data from gnomAD, the G allele has an overall frequency of 0.003% (1/31370) total alleles studied. The highest observed frequency was 0.007% (1/15418) of European (non-Finnish) alleles. Based on insufficient or conflicting evidence, the clinical significance of this alteration remains unclear.

NM_001046.3(SLC12A2):c.2561T>G (p.Phe854Cys)

Gene: SLC12A2 (solute carrier family 12 member 2; plus strand). Cytogenetic location: 5q23.3.
Variant type: single nucleotide variant.
Coding change: c.2561T>G on transcript NM_001046.3 (MANE Select); coding-DNA position 2561, T replaced by G.
Protein change: p.Phe854Cys; replaces phenylalanine 854 with cysteine.
Molecular consequence: missense variant. On other transcripts: non-coding transcript variant (1).
Genome position (GRCh38, 1-based): chr5:128,161,745, T>G. VCF-style: chr5-128161745-T-G. GRCh37 (hg19) VCF-style: chr5-127497437-T-G.
Other names: c.2561T>G, p.Phe854Cys (NM_001256461.2); short protein forms F854C.
Identifiers: ClinVar variation 5029584 (VCV005029584.1).
Genomic context (GRCh38, chr5:128,161,745, plus strand): 5'-AGATGTCCATCGATCAAGCCAAATATCAGCGATGGCTTATTAAGAACAAAATGAAGGCAT[T>G]TTATGCTCCAGTACATGCAGATGACTTGAGAGAAGGTGCACAGTATTTGATGCAGGTAAC-3'
Protein context (NP_001037.1, residues 844-864): RWLIKNKMKA[Phe854Cys]YAPVHADDLR